The following is an entry in ClinVar:

NM_003612.5(SEMA7A):c.378C>T (p.Cys126=)

Gene: SEMA7A (semaphorin 7A (JohnMiltonHagen blood group); minus strand). Cytogenetic location: 15q24.1.
Variant type: single nucleotide variant.
Coding change: c.378C>T on transcript NM_003612.5 (MANE Select); coding-DNA position 378, C replaced by T.
Protein change: p.Cys126=; no amino-acid change (cysteine 126 retained).
Molecular consequence: synonymous variant. On other transcripts: 5 prime UTR variant (1).
Genome position (GRCh38, 1-based): chr15:74,417,964, G>A on the plus strand (C>T on the coding strand, the complement: SEMA7A is on the minus strand). VCF-style: chr15-74417964-G-A. GRCh37 (hg19) VCF-style: chr15-74710305-G-A.
Other names: NC_000015.9:g.74710305G>A; c.336C>T, p.Cys112= (NM_001146029.3); c.-118C>T (NM_001146030.3).
Identifiers: ClinVar variation 3056538 (VCV003056538.3), dbSNP rs28362914, ClinGen allele CA7657270.

ClinVar aggregate classification (germline): Benign (0 of 4 stars; one submission).

Conditions:
SEMA7A-related disorder. Also called: SEMA7A-related condition.

Allele frequency attached by ClinVar (database versions not stated): gnomAD exomes 0.01750; ExAC 0.02898; gnomAD 0.03763; ESP Exome Variant Server 0.03843; 1000 Genomes Project 0.04093; TOPMed 0.04286; 1000 Genomes Project 30x 0.04325.

Submissions (12):

PreventionGenetics, part of Exact Sciences
Classification: Benign for SEMA7A-related condition. Last evaluated: 2020-01-24. Review status: no assertion criteria provided. Collection method: clinical testing. Allele origin: germline.
Comment: This variant is classified as benign based on ACMG/AMP sequence variant interpretation guidelines (Richards et al. 2015 PMID: 25741868, with internal and published modifications).

Dr. Peter K. Rogan Lab, Western University
No classification provided (evidence only). Condition: Acute myeloid leukemia. Review status: no classification provided. Collection method: in vitro. Allele origin: not applicable. Functional consequence: retained intron. Not counted in ClinVar's aggregate classification.

Dr. Peter K. Rogan Lab, Western University
No classification provided (evidence only). Condition: Colon adenocarcinoma. Review status: no classification provided. Collection method: in vitro. Allele origin: not applicable. Functional consequence: retained intron. Not counted in ClinVar's aggregate classification.

Dr. Peter K. Rogan Lab, Western University
No classification provided (evidence only). Condition: Colorectal cancer. Review status: no classification provided. Collection method: in vitro. Allele origin: not applicable. Functional consequence: retained intron. Not counted in ClinVar's aggregate classification.

Dr. Peter K. Rogan Lab, Western University
No classification provided (evidence only). Condition: Uterine corpus endometrial carcinoma. Review status: no classification provided. Collection method: in vitro. Allele origin: not applicable. Functional consequence: retained intron. Not counted in ClinVar's aggregate classification.

Dr. Peter K. Rogan Lab, Western University
No classification provided (evidence only). Condition: Uterine corpus endometrial carcinoma. Review status: no classification provided. Collection method: in vitro. Allele origin: not applicable. Functional consequence: retained intron. Not counted in ClinVar's aggregate classification.

Dr. Peter K. Rogan Lab, Western University
No classification provided (evidence only). Condition: Cervical cancer. Review status: no classification provided. Collection method: in vitro. Allele origin: not applicable. Functional consequence: retained intron. Not counted in ClinVar's aggregate classification.

Dr. Peter K. Rogan Lab, Western University
No classification provided (evidence only). Condition: Sarcoma. Review status: no classification provided. Collection method: in vitro. Allele origin: not applicable. Functional consequence: retained intron. Not counted in ClinVar's aggregate classification.

Dr. Peter K. Rogan Lab, Western University
No classification provided (evidence only). Condition: Sarcoma. Review status: no classification provided. Collection method: in vitro. Allele origin: not applicable. Functional consequence: retained intron. Not counted in ClinVar's aggregate classification.

Dr. Peter K. Rogan Lab, Western University
No classification provided (evidence only). Condition: Malignant lymphoma, large B-cell, diffuse. Review status: no classification provided. Collection method: in vitro. Allele origin: not applicable. Functional consequence: retained intron. Not counted in ClinVar's aggregate classification.

Dr. Peter K. Rogan Lab, Western University
No classification provided (evidence only). Condition: Ovarian serous cystadenocarcinoma. Review status: no classification provided. Collection method: in vitro. Allele origin: not applicable. Functional consequence: retained intron. Not counted in ClinVar's aggregate classification.

Dr. Peter K. Rogan Lab, Western University
No classification provided (evidence only). Condition: Uterine carcinosarcoma. Review status: no classification provided. Collection method: in vitro. Allele origin: not applicable. Functional consequence: retained intron. Not counted in ClinVar's aggregate classification.